The following is an entry in ClinVar:

ClinVar aggregate classification (germline): Pathogenic (1 of 4 stars; one submission).

Conditions:
Skeletal muscle channelopathy.

Submission:

Genetics Laboratory, Great Ormond Street Hospital NHS Foundation Trust, North Thames Genomic Laboratory Hub
Classification: Pathogenic for Skeletal muscle channelopathy. Last evaluated: 2026-01-18. Review status: criteria provided, single submitter. Criteria: ACGS Best Practice Guidelines for Variant Classification in Rare Disease 2024 v1.2. Collection method: clinical testing. Allele origin: germline. Affected: yes.
Comment: PM2_moderate, PM4_moderate, PS3_strong, PM3_moderate

NM_000083.3(CLCN1):c.1369_1371del (p.Val457del)

Gene: CLCN1 (chloride voltage-gated channel 1; plus strand). Cytogenetic location: 7q34.
Variant type: Deletion.
Coding change: c.1369_1371del on transcript NM_000083.3 (MANE Select); coding-DNA positions 1369 to 1371, 3 bases deleted (GTC; older notation c.1369_1371delGTC).
Protein change: p.Val457del; deletes valine 457.
Genome position (GRCh38, 1-based): chr7:143,332,841-143,332,843, GTC deleted. VCF-style (leftmost placement, unchanged base first): chr7-143332840-TGTC-T. GRCh37 (hg19) VCF-style: chr7-143029933-TGTC-T.
Other names: short protein forms V457del.
Identifiers: ClinVar variation 4813645 (VCV004813645.1).